The following is an entry in ClinVar:

ClinVar aggregate classification (germline): Uncertain significance (1 of 4 stars; one submission).

Conditions:
MCCC2-related disorder. Also called: MCCC2-related condition.

Submission:

PreventionGenetics, part of Exact Sciences
Classification: Uncertain significance for MCCC2-related condition. Last evaluated: 2024-11-20. Review status: criteria provided, single submitter. Criteria: ACMG Guidelines, 2015. Collection method: clinical testing. Allele origin: germline.
Comment: The MCCC2 c.406A>G variant is predicted to result in the amino acid substitution p.Asn136Asp. To our knowledge, this variant has not been reported in the literature or in a large population database (gnomAD), indicating this variant is rare. At this time, the clinical significance of this variant is uncertain due to the absence of conclusive functional and genetic evidence.

NM_022132.5(MCCC2):c.406A>G (p.Asn136Asp)

Gene: MCCC2 (methylcrotonyl-CoA carboxylase subunit 2; plus strand). Cytogenetic location: 5q13.2.
Variant type: single nucleotide variant.
Coding change: c.406A>G on transcript NM_022132.5 (MANE Select); coding-DNA position 406, A replaced by G.
Protein change: p.Asn136Asp; replaces asparagine 136 with aspartic acid.
Molecular consequence: missense variant.
Genome position (GRCh38, 1-based): chr5:71,602,528, A>G. VCF-style: chr5-71602528-A-G. GRCh37 (hg19) VCF-style: chr5-70898355-A-G.
Other names: c.406A>G, p.Asn136Asp (NM_001363147.1); short protein forms N136D.
Identifiers: ClinVar variation 4997753 (VCV004997753.1).
Genomic context (GRCh38, chr5:71,602,528, plus strand): 5'-TCTTAAATTCTCTCTCCAATGAAATTTCTGCCTTTCAGAGTAGAATGCATGATTATTGCC[A>G]ATGATGCCACCGTCAAAGGAGGTGCCTACTACCCAGTGACTGTGAAAAAACAATTACGGG-3'
Protein context (NP_071415.1, residues 126-146): VSGVECMIIA[Asn136Asp]DATVKGGAYY